The following is an entry in ClinVar:

NM_000535.7(PMS2):c.1204C>T (p.Gln402Ter)

Gene: PMS2 (PMS1 homolog 2, mismatch repair system component; minus strand). Cytogenetic location: 7p22.1.
Variant type: single nucleotide variant.
Coding change: c.1204C>T on transcript NM_000535.7 (MANE Select); coding-DNA position 1204, C replaced by T.
Protein change: p.Gln402Ter; replaces glutamine 402 with a stop codon.
Molecular consequence: nonsense. On other transcripts: non-coding transcript variant (1).
Genome position (GRCh38, 1-based): chr7:5,987,561, G>A on the plus strand (C>T on the coding strand, the complement: PMS2 is on the minus strand). VCF-style: chr7-5987561-G-A. GRCh37 (hg19) VCF-style: chr7-6027192-G-A.
Other names: c.799C>T, p.Gln267Ter (NM_001018040.1, NM_001322003.2, NM_001322004.2 and 17 more transcripts); c.1048C>T, p.Gln350Ter (NM_001322006.2, NM_001406870.1); c.886C>T, p.Gln296Ter (NM_001322007.2, NM_001322008.2, NM_001406876.1 and 2 more transcripts); c.643C>T, p.Gln215Ter (NM_001322010.2, NM_001406906.1, NM_001406907.1); c.271C>T, p.Gln91Ter (NM_001322011.2, NM_001322012.2); c.631C>T, p.Gln211Ter (NM_001322013.2, NM_001406909.1); c.1204C>T, p.Gln402Ter (NM_001322014.2, NM_001406871.1, NM_001406872.1); c.895C>T, p.Gln299Ter (NM_001322015.2, NM_001406875.1, NM_001406877.1 and 5 more transcripts); and 12 more; short protein forms Q231*, Q336*, Q350*, Q464*, Q145*, Q244*, Q280*, Q290*.
Identifiers: ClinVar variation 1748379 (VCV001748379.6), dbSNP rs587782789, ClinGen allele CA366742571.

ClinVar aggregate classification (germline): Pathogenic/Likely pathogenic. Review status: criteria provided, multiple submitters, no conflicts (2 of 4 stars). 4 submissions from 4 submitters: Pathogenic (3); Likely pathogenic (1). Last evaluated 2024-08-19.

Conditions:
Hereditary cancer-predisposing syndrome. Also called: Hereditary Cancer Syndrome; Hereditary neoplastic syndrome; Neoplastic Syndromes, Hereditary; Tumor predisposition. Identifiers: Orphanet 140162, MedGen C0027672, MeSH D009386, MONDO:0015356.
Hereditary nonpolyposis colorectal neoplasms. Identifiers: MedGen C0009405, MeSH D003123.
Lynch syndrome. Identifiers: Orphanet 144, MedGen C4552100, MONDO:0005835. Disease mechanism: loss of function.
Lynch syndrome 4 (LYNCH4). Also called: Colorectal cancer, hereditary nonpolyposis, type 4; Hereditary non-polyposis colorectal cancer, type 4. Identifiers: Orphanet 144, MedGen C1838333, MONDO:0013699, OMIM 614337. Disease mechanism: loss of function.

gnomAD v4.1: 1 of 1,613,352 alleles (0.000062%); highest among the groups gnomAD compares: Non-Finnish European, 0.000085%; no homozygotes.

Submissions (4):

Labcorp Genetics (formerly Invitae), Labcorp
Classification: Pathogenic for Hereditary nonpolyposis colorectal neoplasms. Last evaluated: 2024-08-19. Review status: criteria provided, single submitter. Criteria: Invitae Variant Classification Sherloc (09022015). Collection method: clinical testing. Allele origin: germline.
Comment: This sequence change creates a premature translational stop signal (p.Gln402*) in the PMS2 gene. It is expected to result in an absent or disrupted protein product. Loss-of-function variants in PMS2 are known to be pathogenic (PMID: 21376568, 24362816). This variant is not present in population databases (gnomAD no frequency). This variant has not been reported in the literature in individuals affected with PMS2-related conditions. ClinVar contains an entry for this variant (Variation ID: 1748379). For these reasons, this variant has been classified as Pathogenic.

Myriad Genetics, Inc.
Classification: Pathogenic for Lynch syndrome 4. Last evaluated: 2023-09-20. Review status: criteria provided, single submitter. Criteria: Myriad Autosomal Dominant, Autosomal Recessive and X-Linked Classification Criteria (2023). Collection method: clinical testing. Allele origin: unknown.
Comment: This variant is considered pathogenic. This variant creates a termination codon and is predicted to result in premature protein truncation.

Ambry Genetics
Classification: Pathogenic for Hereditary cancer-predisposing syndrome. Last evaluated: 2022-02-14. Review status: criteria provided, single submitter. Criteria: Ambry Variant Classification Scheme 2023. Collection method: clinical testing. Allele origin: germline.
Comment: The p.Q402* pathogenic mutation (also known as c.1204C>T), located in coding exon 11 of the PMS2 gene, results from a C to T substitution at nucleotide position 1204. This changes the amino acid from a glutamine to a stop codon within coding exon 11. This variant is considered to be rare based on population cohorts in the Genome Aggregation Database (gnomAD). This alteration is expected to result in loss of function by premature protein truncation or nonsense-mediated mRNA decay. As such, this alteration is interpreted as a disease-causing mutation.

Laboratory for Molecular Medicine, Mass General Brigham Personalized Medicine
Classification: Likely pathogenic for Lynch syndrome. Last evaluated: 2021-11-23. Review status: criteria provided, single submitter. Criteria: ACMG Guidelines, 2015. Collection method: clinical testing. Allele origin: germline. Inheritance: Autosomal dominant inheritance.
Comment: The p.Gln402X variant in PMS2 has not been reported in individuals with PMS2-associated cancers or in large population studies. This nonsense variant leads to a premature termination codon at position 402, which is predicted to lead to a truncated or absent protein. Loss of function of the PMS2 gene is an established disease mechanism in autosomal dominant Lynch syndrome. In summary, although additional studies are required to fully establish its clinical significance, this variant meets criteria to be classified as likely pathogenic for autosomal dominant Lynch syndrome. ACMG/AMP Criteria applied: PVS1, PM2_Supporting.

Literature cited by the submitters: PubMed 21376568 (cited by Labcorp Genetics (formerly Invitae), Labcorp); PubMed 24362816 (cited by Labcorp Genetics (formerly Invitae), Labcorp).